The following is an entry in ClinVar:

ClinVar aggregate classification (germline): Likely benign (1 of 4 stars; one submission).

Allele frequency attached by ClinVar (database versions not stated): 1000 Genomes Project 0.00040; 1000 Genomes Project 30x 0.00047; ESP Exome Variant Server 0.00086; ExAC 0.00088; TOPMed 0.00113; gnomAD 0.00117; gnomAD exomes 0.00170.
gnomAD v4.1: 2,614 of 1,613,710 alleles (0.16%); highest among the groups gnomAD compares: Non-Finnish European, 0.2%; 3 homozygotes.

Submission:

CeGaT Center for Human Genetics Tuebingen
Classification: Likely benign. Last evaluated: 2023-04-01. Review status: criteria provided, single submitter. Criteria: CeGaT Center For Human Genetics Tuebingen Variant Classification Criteria Version 2. Collection method: clinical testing. Allele origin: germline. Affected: yes. Observed: 1 variant allele.
Comment: KHSRP: BP4, BP7

NM_001366299.1(KHSRP):c.975C>T (p.Ile325=)

Gene: KHSRP (KH-type splicing regulatory protein; minus strand). Cytogenetic location: 19p13.3.
Variant type: single nucleotide variant.
Coding change: c.975C>T on transcript NM_001366299.1 (MANE Select); coding-DNA position 975, C replaced by T.
Protein change: p.Ile325=; no amino-acid change (isoleucine 325 retained).
Molecular consequence: synonymous variant.
Genome position (GRCh38, 1-based): chr19:6,417,984, G>A on the plus strand (C>T on the coding strand, the complement: KHSRP is on the minus strand). VCF-style: chr19-6417984-G-A. GRCh37 (hg19) VCF-style: chr19-6417995-G-A.
Other names: c.975C>T, p.Ile325= (NM_003685.3, NM_001366300.1).
Identifiers: ClinVar variation 2649134 (VCV002649134.24), dbSNP rs201756205, ClinGen allele CA9124816.